The following is an entry in ClinVar:

NM_206933.4(USH2A):c.732T>C (p.Gly244=)

Gene: USH2A (usherin; minus strand). Cytogenetic location: 1q41.
Variant type: single nucleotide variant.
Coding change: c.732T>C on transcript NM_206933.4 (MANE Select); coding-DNA position 732, T replaced by C.
Protein change: p.Gly244=; no amino-acid change (glycine 244 retained).
Molecular consequence: synonymous variant.
Genome position (GRCh38, 1-based): chr1:216,365,005, A>G on the plus strand (T>C on the coding strand, the complement: USH2A is on the minus strand). VCF-style: chr1-216365005-A-G. GRCh37 (hg19) VCF-style: chr1-216538347-A-G.
Other names: c.732T>C, p.Gly244= (NM_007123.6).
Identifiers: ClinVar variation 763792 (VCV000763792.13), dbSNP rs576466805, ClinGen allele CA1396711.

ClinVar aggregate classification (germline): Benign/Likely benign. Review status: criteria provided, multiple submitters, no conflicts (2 of 4 stars). 4 submissions from 4 submitters: Benign (1); Likely benign (1). 2 of the submissions do not count toward it. Last evaluated 2025-10-06.

Conditions:
Usher syndrome type 2A. Also called: RETINAL DISEASE IN USHER SYNDROME TYPE IIA, MODIFIER OF; USHER SYNDROME, TYPE IIA. Identifiers: Orphanet 231178, Orphanet 886, MedGen C1848634, MONDO:0010169, OMIM 276901.
USH2A-related disorder. Also called: USH2A-related disorders; USH2A-related condition. Identifiers: MedGen CN239332.

Allele frequency attached by ClinVar (database versions not stated): gnomAD below 0.00001 and 0.00004; TOPMed 0.00001; gnomAD exomes 0.00026; ExAC 0.00031.
gnomAD v4.1: 192 of 1,613,640 alleles (0.012%); highest among the groups gnomAD compares: South Asian, 0.2%; 2 homozygotes.

Submissions (4):

Labcorp Genetics (formerly Invitae), Labcorp
Classification: Benign. Last evaluated: 2025-10-06. Review status: criteria provided, single submitter. Criteria: Invitae Variant Classification Sherloc (09022015). Collection method: clinical testing. Allele origin: germline.

Blueprint Genetics
Classification: Likely benign. Last evaluated: 2023-09-13. Review status: criteria provided, single submitter. Criteria: ACMG Guidelines, 2015. Collection method: clinical testing. Allele origin: germline.

Natera, Inc.
Classification: Likely benign for Usher syndrome type 2A. Last evaluated: 2020-01-10. Review status: no assertion criteria provided. Collection method: clinical testing. Allele origin: germline. Not counted in ClinVar's aggregate classification.

PreventionGenetics, part of Exact Sciences
Classification: Likely benign for USH2A-related condition. Last evaluated: 2019-09-23. Review status: no assertion criteria provided. Collection method: clinical testing. Allele origin: germline. Not counted in ClinVar's aggregate classification.
Comment: This variant is classified as likely benign based on ACMG/AMP sequence variant interpretation guidelines (Richards et al. 2015 PMID: 25741868, with internal and published modifications).